The following is an entry in ClinVar:

ClinVar aggregate classification (germline): Pathogenic. Review status: criteria provided, multiple submitters, no conflicts (2 of 4 stars). 2 submissions from 2 submitters: Pathogenic (2). Last evaluated 2023-12-03.

Conditions:
Meckel-Gruber syndrome. Also called: Dysencephalia splachnocystica; DYSENCEPHALIA SPLANCHNOCYSTICA; GRUBER SYNDROME. Identifiers: Orphanet 564, MedGen C0265215, MONDO:0018921.
Joubert syndrome. Also called: CEREBELLOPARENCHYMAL DISORDER IV; JOUBERT-BOLTSHAUSER SYNDROME; Familial aplasia of the vermis. Identifiers: Orphanet 475, MedGen C5979921, MONDO:0018772.

Submissions (2):

GeneDx
Classification: Pathogenic. Last evaluated: 2023-12-03. Review status: criteria provided, single submitter. Criteria: GeneDx Variant Classification Process June 2021. Collection method: clinical testing. Allele origin: germline. Affected: yes.
Comment: Frameshift variant predicted to result in protein truncation or nonsense mediated decay in a gene for which loss of function is a known mechanism of disease; Not observed at significant frequency in large population cohorts (gnomAD); Has not been previously published as pathogenic or benign to our knowledge; This variant is associated with the following publications: (PMID: 17558409)

Labcorp Genetics (formerly Invitae), Labcorp
Classification: Pathogenic for Joubert syndrome; Meckel-Gruber syndrome. Last evaluated: 2023-04-28. Review status: criteria provided, single submitter. Criteria: Invitae Variant Classification Sherloc (09022015). Collection method: clinical testing. Allele origin: germline.
Comment: This variant is not present in population databases (gnomAD no frequency). For these reasons, this variant has been classified as Pathogenic. ClinVar contains an entry for this variant (Variation ID: 280658). This variant has not been reported in the literature in individuals affected with RPGRIP1L-related conditions. This sequence change creates a premature translational stop signal (p.Asn881Lysfs*8) in the RPGRIP1L gene. It is expected to result in an absent or disrupted protein product. Loss-of-function variants in RPGRIP1L are known to be pathogenic (PMID: 17558409).

Literature cited by the submitters: PubMed 17558409 (cited by Labcorp Genetics (formerly Invitae), Labcorp).

NM_015272.5(RPGRIP1L):c.2643_2671del (p.Asn881fs)

Gene: RPGRIP1L (RPGRIP1 like; minus strand). Cytogenetic location: 16q12.2.
Variant type: Deletion.
Coding change: c.2643_2671del on transcript NM_015272.5 (MANE Select); coding-DNA positions 2643 to 2671, 29 bases deleted (TGTGCCTCTGATTTCGTTGGCACATGACA).
Protein change: p.Asn881fs; shifts the reading frame from asparagine 881.
Molecular consequence: frameshift variant.
Genome position (GRCh38, 1-based): chr16:53,645,637-53,645,665, TGTCATGTGCCAACGAAATCAGAGGCACA deleted on the plus strand (TGTGCCTCTGATTTCGTTGGCACATGACA on the coding strand, the reverse complement: RPGRIP1L is on the minus strand); deleting any 29 consecutive bases within chr16:53,645,637-53,645,666 gives the same sequence; the c. name uses the placement nearest the transcript's 3' end. VCF-style (leftmost placement, unchanged base first): chr16-53645636-CTGTCATGTGCCAACGAAATCAGAGGCACA-C. GRCh37 (hg19) VCF-style: chr16-53679548-CTGTCATGTGCCAACGAAATCAGAGGCACA-C.
Other names: c.2643_2671delTGTGCCTCTGATTTCGTTGGCACATGACA (NM_015272.2); c.2643_2671del, p.Asn881fs (NM_001127897.4, NM_001308334.3, NM_001330538.2); c.2643_2671del (NM_015272.2); short protein forms N881fs.
Identifiers: ClinVar variation 280658 (VCV000280658.10), dbSNP rs886041824, ClinGen allele CA10603330.